The following is an entry in ClinVar:

NM_001365536.1(SCN9A):c.5146G>A (p.Asp1716Asn)

Genes: SCN9A (sodium voltage-gated channel alpha subunit 9; minus strand), SCN1A-AS1 (SCN1A and SCN9A antisense RNA 1; plus strand). Cytogenetic location: 2q24.3.
Variant type: single nucleotide variant.
Coding change: c.5146G>A on transcript NM_001365536.1 (MANE Select); coding-DNA position 5146, G replaced by A.
Protein change: p.Asp1716Asn; replaces aspartic acid 1716 with asparagine.
Molecular consequence: missense variant.
Genome position (GRCh38, 1-based): chr2:166,199,493, C>T on the plus strand (G>A on the coding strand, the complement: SCN9A is on the minus strand). VCF-style: chr2-166199493-C-T. GRCh37 (hg19) VCF-style: chr2-167056003-C-T.
Other names: c.5113G>A, p.Asp1705Asn (NM_002977.4); short protein forms D1705N, D1716N.
Identifiers: ClinVar variation 1038794 (VCV001038794.7), dbSNP rs1693375977, ClinGen allele CA349054515.

ClinVar aggregate classification (germline): Uncertain significance. Review status: criteria provided, multiple submitters, no conflicts (2 of 4 stars). 2 submissions from 2 submitters: Uncertain significance (2). Last evaluated 2024-08-09.

Conditions:
Generalized epilepsy with febrile seizures plus, type 7 (GEFSP7). Also called: GEFS+, TYPE 7. Identifiers: Orphanet 36387, MedGen C2751778, MONDO:0013470, OMIM 613863.
Neuropathy, hereditary sensory and autonomic, type 2A (HSAN2A). Also called: NEUROPATHY, CONGENITAL SENSORY; NEUROPATHY, HEREDITARY SENSORY RADICULAR, AUTOSOMAL RECESSIVE; NEUROPATHY, HEREDITARY SENSORY, TYPE IIA; NEUROPATHY, PROGRESSIVE SENSORY, OF CHILDREN; WNK1-Related HSAN2 (HSAN2A); MORVAN DISEASE. Identifiers: Orphanet 970, MedGen C2752089, MONDO:0024309, OMIM 201300.

Submissions (2):

GeneDx
Classification: Uncertain significance. Last evaluated: 2024-08-09. Review status: criteria provided, single submitter. Criteria: GeneDx Variant Classification Process June 2021. Collection method: clinical testing. Allele origin: germline. Affected: yes.
Comment: Not observed at significant frequency in large population cohorts (gnomAD); In silico analysis supports that this missense variant has a deleterious effect on protein structure/function; Has not been previously published as pathogenic or benign to our knowledge

Labcorp Genetics (formerly Invitae), Labcorp
Classification: Uncertain significance for Neuropathy, hereditary sensory and autonomic, type 2A; Generalized epilepsy with febrile seizures plus, type 7. Last evaluated: 2021-09-01. Review status: criteria provided, single submitter. Criteria: Invitae Variant Classification Sherloc (09022015). Collection method: clinical testing. Allele origin: germline.